The following is an entry in ClinVar:

ClinVar aggregate classification (germline): Uncertain significance. Review status: criteria provided, multiple submitters, no conflicts (2 of 4 stars). 2 submissions from 2 submitters: Uncertain significance (2). Last evaluated 2025-09-03.

Allele frequency attached by ClinVar (database versions not stated): TOPMed 0.00001; gnomAD 0.00003; gnomAD exomes 0.00003; 1000 Genomes Project 30x 0.00016; 1000 Genomes Project 0.00020.
gnomAD v4.1: 43 of 1,612,830 alleles (0.0027%); highest among the groups gnomAD compares: Non-Finnish European, 0.0036%; no homozygotes.

Submissions (2):

Labcorp Genetics (formerly Invitae), Labcorp
Classification: Uncertain significance. Last evaluated: 2025-09-03. Review status: criteria provided, single submitter. Criteria: Invitae Variant Classification Sherloc (09022015). Collection method: clinical testing. Allele origin: germline.
Comment: This sequence change replaces serine, which is neutral and polar, with asparagine, which is neutral and polar, at codon 336 of the DFNA5 protein (p.Ser336Asn). The frequency data for this variant in the population databases is considered unreliable, as metrics indicate poor data quality at this position in the gnomAD database. This variant has not been reported in the literature in individuals affected with DFNA5-related conditions. ClinVar contains an entry for this variant (Variation ID: 2683784). Invitae Evidence Modeling of protein sequence and biophysical properties (such as structural, functional, and spatial information, amino acid conservation, physicochemical variation, residue mobility, and thermodynamic stability) indicates that this missense variant is not expected to disrupt DFNA5 protein function with a negative predictive value of 80%. In summary, the available evidence is currently insufficient to determine the role of this variant in disease. Therefore, it has been classified as a Variant of Uncertain Significance.

Mayo Clinic Laboratories, Mayo Clinic
Classification: Uncertain significance. Last evaluated: 2022-08-14. Review status: criteria provided, single submitter. Criteria: ACMG Guidelines, 2015. Collection method: clinical testing. Allele origin: germline. Observed: 1 variant allele.
Comment: BP4, PM2

NM_001127453.2(GSDME):c.1007G>A (p.Ser336Asn)

Gene: GSDME (gasdermin E; minus strand). Cytogenetic location: 7p15.3.
Variant type: single nucleotide variant.
Coding change: c.1007G>A on transcript NM_001127453.2 (MANE Select); coding-DNA position 1007, G replaced by A.
Protein change: p.Ser336Asn; replaces serine 336 with asparagine.
Molecular consequence: missense variant.
Genome position (GRCh38, 1-based): chr7:24,706,360, C>T on the plus strand (G>A on the coding strand, the complement: GSDME is on the minus strand). VCF-style: chr7-24706360-C-T. GRCh37 (hg19) VCF-style: chr7-24745979-C-T.
Other names: p.Ser336Asn; c.515G>A, p.Ser172Asn (NM_001127454.2); c.1007G>A, p.Ser336Asn (NM_004403.3); short protein forms S172N, S336N.
Identifiers: ClinVar variation 2683784 (VCV002683784.2), dbSNP rs200671827, ClinGen allele CA155341640.
Genomic context (GRCh38, chr7:24,706,360, plus strand): 5'-AGGTCCTGCTGCTGCCGGGGCTTCAGCTCCCCCAGCACCGCCACTGTGGGCGAGAGGCCG[C>T]TGACCAGGTCATCGCACTGTAGGGCAGGGAAGAAGAAGGGTCATGACACAGCTGGAGACC-3'
Protein context (NP_001120925.1, residues 326-346): VLEPVCDDLV[Ser336Asn]GLSPTVAVLG